The following is an entry in ClinVar:

NM_020207.7(ERCC6L2):c.4205A>T (p.Asp1402Val)

Gene: ERCC6L2 (ERCC excision repair 6 like 2; plus strand). Cytogenetic location: 9q22.32.
Variant type: single nucleotide variant.
Coding change: c.4205A>T on transcript NM_020207.7 (MANE Select); coding-DNA position 4205, A replaced by T.
Protein change: p.Asp1402Val; replaces aspartic acid 1402 with valine.
Molecular consequence: missense variant. On other transcripts: non-coding transcript variant (1), intron variant (2).
Genome position (GRCh38, 1-based): chr9:96,012,755, A>T. VCF-style: chr9-96012755-A-T. GRCh37 (hg19) VCF-style: chr9-98775037-A-T.
Other names: c.3674+8054A>T (NM_001375291.1, NM_001375292.1); short protein forms D1402V.
Identifiers: ClinVar variation 1967516 (VCV001967516.5), dbSNP rs2490774124, ClinGen allele CA466122107.

ClinVar aggregate classification (germline): Uncertain significance (1 of 4 stars; one submission).

Allele frequency attached by ClinVar (database versions not stated): gnomAD exomes 0.00001.
gnomAD v4.1: 3 of 1,367,632 alleles (0.00022%); highest among the groups gnomAD compares: Middle Eastern, 0.021%; no homozygotes.

Submission:

Labcorp Genetics (formerly Invitae), Labcorp
Classification: Uncertain significance. Last evaluated: 2025-09-15. Review status: criteria provided, single submitter. Criteria: Invitae Variant Classification Sherloc (09022015). Collection method: clinical testing. Allele origin: germline.
Comment: This sequence change replaces aspartic acid, which is acidic and polar, with valine, which is neutral and non-polar, at codon 1413 of the ERCC6L2 protein (p.Asp1413Val). This variant is not present in population databases (gnomAD no frequency). This variant has not been reported in the literature in individuals affected with ERCC6L2-related conditions. ClinVar contains an entry for this variant (Variation ID: 1967516). Experimental studies and prediction algorithms are not available or were not evaluated, and the functional significance of this variant is currently unknown. In summary, the available evidence is currently insufficient to determine the role of this variant in disease. Therefore, it has been classified as a Variant of Uncertain Significance.